The following is an entry in ClinVar:

NM_000093.5(COL5A1):c.3781G>A (p.Gly1261Arg)

Gene: COL5A1 (collagen type V alpha 1 chain; plus strand). Cytogenetic location: 9q34.3.
Variant type: single nucleotide variant.
Coding change: c.3781G>A on transcript NM_000093.5 (MANE Select); coding-DNA position 3781, G replaced by A.
Protein change: p.Gly1261Arg; replaces glycine 1261 with arginine.
Molecular consequence: missense variant.
Genome position (GRCh38, 1-based): chr9:134,812,641, G>A. VCF-style: chr9-134812641-G-A. GRCh37 (hg19) VCF-style: chr9-137704487-G-A.
Other names: c.3781G>A, p.Gly1261Arg (NM_001278074.1); short protein forms G1261R.
Identifiers: ClinVar variation 197581 (VCV000197581.12), dbSNP rs772445337, ClinGen allele CA281492.
Genomic context (GRCh38, chr9:134,812,641, plus strand): 5'-TCAGTGGTCTCTCCCTTTTCCTAGGGCCCCCCGGGTCCCCCTGGCCCCCGAGGACCCTCC[G>A]GAGCTCCAGGTGCTGATGGCCCACAAGGTCCCCCAGGTGGAATAGGAAACCCTGGTGCAG-3'
Protein context (NP_000084.3, residues 1251-1271): PGPPGPRGPS[Gly1261Arg]APGADGPQGP

ClinVar aggregate classification (germline): Conflicting classifications of pathogenicity. Review status: criteria provided, conflicting classifications (1 of 4 stars). 3 submissions from 3 submitters: Likely pathogenic (1); Uncertain significance (2). Last evaluated 2026-01-15.

Conditions:
Ehlers-Danlos syndrome, classic type, 1 (EDSCL1). Also called: Ehlers-Danlos Syndrome, Classic Type, COL5A1-Related; EHLERS-DANLOS SYNDROME, GRAVIS TYPE; EHLERS-DANLOS SYNDROME, SEVERE CLASSIC TYPE; Ehlers-Danlos syndrome, type 1; EDS I. Identifiers: MedGen C0268335, MONDO:0019567, OMIM 130000.

Allele frequency attached by ClinVar (database versions not stated): gnomAD exomes below 0.00001; ExAC 0.00002.
gnomAD v4.1: 1 of 1,599,552 alleles (0.000063%); highest among the groups gnomAD compares: Non-Finnish European, 0.000085%; no homozygotes.

Submissions (3):

Women's Health and Genetics/Laboratory Corporation of America, LabCorp
Classification: Uncertain significance. Last evaluated: 2026-01-15. Review status: criteria provided, single submitter. Criteria: LabCorp Variant Classification Summary - May 2015. Collection method: clinical testing. Allele origin: germline.
Comment: Variant summary: COL5A1 c.3781G>A (p.Gly1261Arg) results in a non-conservative amino acid change in the encoded protein sequence. This variant disrupts the triple helix domain of Gene name. Glycine residues within the Gly-Xaa-Yaa repeats of the triple helix domain are required for the structure and stability of fibrillar collagens (PMID: 7695699, 8218237, 19344236). Algorithms developed to predict the effect of missense changes on protein structure and function all suggest that this variant is likely to be disruptive. The frequency data for this variant in gnomAD is considered unreliable, as metrics indicate poor data quality at this position. To our knowledge, this variant has not been observed in individual(s) affected with Ehlers-Danlos Syndrome, Classic Type, 1 and no experimental evidence demonstrating an impact on protein function has been reported. The following publication has been ascertained in the context of this evaluation (PMID: 33726816). ClinVar contains an entry for this variant (Variation ID: 197581). Based on the evidence outlined above, the variant was classified as uncertain significance.

Labcorp Genetics (formerly Invitae), Labcorp
Classification: Uncertain significance for Ehlers-Danlos syndrome, classic type, 1. Last evaluated: 2024-02-03. Review status: criteria provided, single submitter. Criteria: Invitae Variant Classification Sherloc (09022015). Collection method: clinical testing. Allele origin: germline.
Comment: This sequence change replaces glycine, which is neutral and non-polar, with arginine, which is basic and polar, at codon 1261 of the COL5A1 protein (p.Gly1261Arg). The frequency data for this variant in the population databases is considered unreliable, as metrics indicate poor data quality at this position in the gnomAD database. This variant has not been reported in the literature in individuals affected with COL5A1-related conditions. ClinVar contains an entry for this variant (Variation ID: 197581). Advanced modeling of protein sequence and biophysical properties (such as structural, functional, and spatial information, amino acid conservation, physicochemical variation, residue mobility, and thermodynamic stability) has been performed at Invitae for this missense variant, however the output from this modeling did not meet the statistical confidence thresholds required to predict the impact of this variant on COL5A1 protein function. This variant disrupts the triple helix domain of COL5A1. Glycine residues within the Gly-Xaa-Yaa repeats of the triple helix domain are required for the structure and stability of fibrillar collagens (PMID: 7695699, 8218237, 19344236), and variants at these glycine residues in COL5A1 are more frequently observed in individuals with disease than in the general population (PMID: 22696272, 23587214). However, the clinical significance of this observation remains uncertain since only a limited number of affected individuals have been described to date. In summary, the available evidence is currently insufficient to determine the role of this variant in disease. Therefore, it has been classified as a Variant of Uncertain Significance.

Eurofins Ntd Llc (ga)
Classification: Likely pathogenic. Last evaluated: 2015-06-09. Review status: criteria provided, single submitter. Criteria: EGL Classification Definitions 2015. Collection method: clinical testing. Allele origin: germline. Observed: 1 variant allele, 1 heterozygote.

Literature cited by the submitters: PubMed 33726816 (cited by Women's Health and Genetics/Laboratory Corporation of America, LabCorp); PubMed 7695699 (cited by Labcorp Genetics (formerly Invitae), Labcorp); PubMed 8218237 (cited by Labcorp Genetics (formerly Invitae), Labcorp); PubMed 19344236 (cited by Labcorp Genetics (formerly Invitae), Labcorp); PubMed 22696272 (cited by Labcorp Genetics (formerly Invitae), Labcorp); PubMed 23587214 (cited by Labcorp Genetics (formerly Invitae), Labcorp).